The following is an entry in ClinVar:

NM_007186.6(CEP250):c.5812C>T (p.Arg1938Trp)

Gene: CEP250 (centrosomal protein 250; plus strand). Cytogenetic location: 20q11.22.
Variant type: single nucleotide variant.
Coding change: c.5812C>T on transcript NM_007186.6 (MANE Select); coding-DNA position 5812, C replaced by T.
Protein change: p.Arg1938Trp; replaces arginine 1938 with tryptophan.
Molecular consequence: missense variant.
Genome position (GRCh38, 1-based): chr20:35,504,181, C>T. VCF-style: chr20-35504181-C-T. GRCh37 (hg19) VCF-style: chr20-34092009-C-T.
Other names: c.5812C>T (NM_007186.3); c.3916C>T, p.Arg1306Trp (NM_001318219.1); short protein forms R1306W, R1938W.
Identifiers: ClinVar variation 1016644 (VCV001016644.12), dbSNP rs548722507, ClinGen allele CA9833937.

ClinVar aggregate classification (germline): Uncertain significance. Review status: criteria provided, multiple submitters, no conflicts (2 of 4 stars). 3 submissions from 3 submitters: Uncertain significance (3). Last evaluated 2025-03-17.

Allele frequency attached by ClinVar (database versions not stated): TOPMed 0.00002; gnomAD 0.00005; 1000 Genomes Project 30x 0.00016; 1000 Genomes Project 0.00020.
gnomAD v4.1: 26 of 1,613,682 alleles (0.0016%); highest among the groups gnomAD compares: Admixed American, 0.01%; no homozygotes.

Submissions (3):

Labcorp Genetics (formerly Invitae), Labcorp
Classification: Uncertain significance. Last evaluated: 2025-03-17. Review status: criteria provided, single submitter. Criteria: Invitae Variant Classification Sherloc (09022015). Collection method: clinical testing. Allele origin: germline.
Comment: This sequence change replaces arginine, which is basic and polar, with tryptophan, which is neutral and slightly polar, at codon 1938 of the CEP250 protein (p.Arg1938Trp). This variant is present in population databases (rs548722507, gnomAD 0.006%). This variant has not been reported in the literature in individuals affected with CEP250-related conditions. ClinVar contains an entry for this variant (Variation ID: 1016644). An algorithm developed to predict the effect of missense changes on protein structure and function (PolyPhen-2) suggests that this variant is likely to be disruptive. In summary, the available evidence is currently insufficient to determine the role of this variant in disease. Therefore, it has been classified as a Variant of Uncertain Significance.

Blueprint Genetics
Classification: Uncertain significance. Last evaluated: 2023-11-13. Review status: criteria provided, single submitter. Criteria: ACMG Guidelines, 2015. Collection method: clinical testing. Allele origin: germline.

Ambry Genetics
Classification: Uncertain significance. Last evaluated: 2022-09-06. Review status: criteria provided, single submitter. Criteria: Ambry Variant Classification Scheme 2023. Collection method: clinical testing. Allele origin: germline.